The following is an entry in ClinVar:

ClinVar aggregate classification (germline): Uncertain significance (1 of 4 stars; one submission).

Conditions:
Peroxisome biogenesis disorder 5A (Zellweger) (PBD5A). Identifiers: Orphanet 912, MedGen C3553940, MONDO:0013932, OMIM 614866.

Allele frequency attached by ClinVar (database versions not stated): gnomAD exomes below 0.00001; TOPMed below 0.00001.
gnomAD v4.1: 4 of 1,614,156 alleles (0.00025%); highest among the groups gnomAD compares: South Asian, 0.0022%; no homozygotes.

Submission:

Labcorp Genetics (formerly Invitae), Labcorp
Classification: Uncertain significance for Peroxisome biogenesis disorder 5A (Zellweger). Last evaluated: 2022-07-01. Review status: criteria provided, single submitter. Criteria: Invitae Variant Classification Sherloc (09022015). Collection method: clinical testing. Allele origin: germline.
Comment: This sequence change replaces methionine, which is neutral and non-polar, with valine, which is neutral and non-polar, at codon 253 of the PEX2 protein (p.Met253Val). This variant is present in population databases (no rsID available, gnomAD 0.0009%). This variant has not been reported in the literature in individuals affected with PEX2-related conditions. Algorithms developed to predict the effect of missense changes on protein structure and function are either unavailable or do not agree on the potential impact of this missense change (SIFT: "Tolerated"; PolyPhen-2: "Possibly Damaging"; Align-GVGD: "Class C0"). In summary, the available evidence is currently insufficient to determine the role of this variant in disease. Therefore, it has been classified as a Variant of Uncertain Significance.

NM_000318.3(PEX2):c.757A>G (p.Met253Val)

Gene: PEX2 (peroxisomal biogenesis factor 2; minus strand). Cytogenetic location: 8q21.13.
Variant type: single nucleotide variant.
Coding change: c.757A>G on transcript NM_000318.3 (MANE Select); coding-DNA position 757, A replaced by G.
Protein change: p.Met253Val; replaces methionine 253 with valine.
Molecular consequence: missense variant.
Genome position (GRCh38, 1-based): chr8:76,983,422, T>C on the plus strand (A>G on the coding strand, the complement: PEX2 is on the minus strand). VCF-style: chr8-76983422-T-C. GRCh37 (hg19) VCF-style: chr8-77895658-T-C.
Other names: c.757A>G, p.Met253Val (NM_001079867.2, NM_001172086.2, NM_001172087.2); short protein forms M253V.
Identifiers: ClinVar variation 2173345 (VCV002173345.1), dbSNP rs1223881094, ClinGen allele CA371556651.